The following is an entry in ClinVar:

NM_183357.3(ADCY5):c.416_429del (p.Ser139fs)

Gene: ADCY5 (adenylate cyclase 5; minus strand). Cytogenetic location: 3q21.1.
Variant type: Microsatellite.
Coding change: c.416_429del on transcript NM_183357.3 (MANE Select); coding-DNA positions 416 to 429, 14 bases deleted (CGGCGGCGGCGGCT).
Protein change: p.Ser139fs; shifts the reading frame from serine 139.
Molecular consequence: frameshift variant.
Genome position (GRCh38, 1-based): chr3:123,448,117-123,448,130, AGCCGCCGCCGCCG deleted on the plus strand (CGGCGGCGGCGGCT on the coding strand, the reverse complement: ADCY5 is on the minus strand); deleting any 14 consecutive bases within chr3:123,448,117-123,448,144 gives the same sequence; the c. name uses the placement nearest the transcript's 3' end. VCF-style (leftmost placement, unchanged base first): chr3-123448116-CAGCCGCCGCCGCCG-C. GRCh37 (hg19) VCF-style: chr3-123166963-CAGCCGCCGCCGCCG-C.
Other names: c.416_429delCGGCGGCGGCGGCT (NM_183357.2); c.416_429del, p.Ser139fs (NM_001378259.1); short protein forms S139fs.
Identifiers: ClinVar variation 524013 (VCV000524013.2), dbSNP rs1215504032, ClinGen allele CA658796361.
Genomic context (GRCh38, chr3:123,448,116, plus strand): 5'-GCCGCTCCTCCAGACCCACCTCCACCGAGCGAGGGCGCACCTCCGTCCCGCCCGCCGAGG[CAGCCGCCGCCGCCG>C]AGCCGCCGCCGCCGCCCGCAGGGGGCGCCCGGGTGCTGCCCCCGCTGGCCGCGCCCCGCC-3'

ClinVar aggregate classification (germline): Pathogenic (1 of 4 stars; one submission).

Submission:

GeneDx
Classification: Pathogenic. Last evaluated: 2018-03-20. Review status: criteria provided, single submitter. Criteria: GeneDx Variant Classification (06012015). Collection method: clinical testing. Allele origin: germline. Affected: yes.
Comment: The c.416_429del14 variant in the ADCY5 gene has not been reported previously as a pathogenic variant nor as a benign variant, to our knowledge. This variant causes a frameshift starting with codon Serine 139, changes this amino acid to a Cysteine residue, and creates a premature Stop codon at position 184 of the new reading frame, denoted p.Ser139CysfsX184. The c.416_429del14 variant is predicted to cause loss of normal protein function either through protein truncation or nonsense-mediated mRNA decay. This variant is not observed in large population cohorts (Lek et al., 2016). We interpret c.416_429del14 as a pathogenic variant.